The following is an entry in ClinVar:

ClinVar aggregate classification (germline): Pathogenic (1 of 4 stars; one submission).

Conditions:
Intellectual developmental disorder, X-linked 19. Also called: Intellectual disability, X-linked 19. Identifiers: Orphanet 777, MedGen C0796225, MONDO:0010447, OMIM 300844.
Coffin-Lowry syndrome (CLS). Also called: COFFIN-LOWRY SYNDROME, MILD; Mental retardation with osteocartilaginous abnormalities. Identifiers: Orphanet 192, MedGen C0265252, MONDO:0010561, OMIM 303600.

Submission:

Labcorp Genetics (formerly Invitae), Labcorp
Classification: Pathogenic for Coffin-Lowry syndrome; Intellectual developmental disorder, X-linked 19. Last evaluated: 2025-02-10. Review status: criteria provided, single submitter. Criteria: Invitae Variant Classification Sherloc (09022015). Collection method: clinical testing. Allele origin: germline.
Comment: This sequence change replaces glycine, which is neutral and non-polar, with aspartic acid, which is acidic and polar, at codon 605 of the RPS6KA3 protein (p.Gly605Asp). This variant is not present in population databases (gnomAD no frequency). This missense change has been observed in individual(s) with Coffin-Lowry syndrome (internal data). In at least one individual the variant was observed to be de novo. ClinVar contains an entry for this variant (Variation ID: 2050023). Invitae Evidence Modeling of protein sequence and biophysical properties (such as structural, functional, and spatial information, amino acid conservation, physicochemical variation, residue mobility, and thermodynamic stability) indicates that this missense variant is expected to disrupt RPS6KA3 protein function with a positive predictive value of 95%. For these reasons, this variant has been classified as Pathogenic.

NM_004586.3(RPS6KA3):c.1814G>A (p.Gly605Asp)

Gene: RPS6KA3 (ribosomal protein S6 kinase A3; minus strand). Cytogenetic location: Xp22.12.
Variant type: single nucleotide variant.
Coding change: c.1814G>A on transcript NM_004586.3 (MANE Select); coding-DNA position 1814, G replaced by A.
Protein change: p.Gly605Asp; replaces glycine 605 with aspartic acid.
Molecular consequence: missense variant.
Genome position (GRCh38, 1-based): chrX:20,162,991, C>T on the plus strand (G>A on the coding strand, the complement: RPS6KA3 is on the minus strand). VCF-style: chrX-20162991-C-T. GRCh37 (hg19) VCF-style: chrX-20181109-C-T.
Other names: short protein forms G605D.
Identifiers: ClinVar variation 2050023 (VCV002050023.4), dbSNP rs2519612941, ClinGen allele CA412513761.